The following is an entry in ClinVar:

ClinVar aggregate classification (germline): Pathogenic (1 of 4 stars; one submission).

Conditions:
Primary ciliary dyskinesia 3. Identifiers: Orphanet 244, MedGen C1837618, MONDO:0012085, OMIM 608644.

Submission:

Myriad Genetics, Inc.
Classification: Pathogenic for Primary ciliary dyskinesia 3. Last evaluated: 2024-05-14. Review status: criteria provided, single submitter. Criteria: Myriad Autosomal Dominant, Autosomal Recessive and X-Linked Classification Criteria (2023). Collection method: clinical testing. Allele origin: unknown.
Comment: NM_001369.2(DNAH5):c.1616_1617delAG(E539Vfs*6) is expected to be pathogenic in the context of primary ciliary dyskinesia, DNAH5-related. This variant is predicted to lead to an abnormal or absent protein product due to the creation of a premature termination codon in DNAH5, a gene where loss-of-function variants are known to be pathogenic. Please note: this variant was assessed in the context of healthy population screening.

NM_001369.3(DNAH5):c.1616_1617del (p.Glu539fs)

Gene: DNAH5 (dynein axonemal heavy chain 5; minus strand). Cytogenetic location: 5p15.2.
Variant type: Microsatellite.
Coding change: c.1616_1617del on transcript NM_001369.3 (MANE Select); coding-DNA positions 1616 to 1617, 2 bases deleted (AG; older notation c.1616_1617delAG).
Protein change: p.Glu539fs; shifts the reading frame from glutamic acid 539.
Molecular consequence: frameshift variant.
Genome position (GRCh38, 1-based): chr5:13,911,413-13,911,414, CT deleted on the plus strand (AG on the coding strand, the reverse complement: DNAH5 is on the minus strand); deleting any 2 consecutive bases within chr5:13,911,413-13,911,416 gives the same sequence; the c. name uses the placement nearest the transcript's 3' end. VCF-style (leftmost placement, unchanged base first): chr5-13911412-ACT-A. GRCh37 (hg19) VCF-style: chr5-13911521-ACT-A.
Other names: short protein forms E539fs.
Identifiers: ClinVar variation 5010583 (VCV005010583.1).